The following is an entry in ClinVar:

NM_001127198.5(TMC6):c.2387C>T (p.Pro796Leu)

Gene: TMC6 (transmembrane channel like 6; minus strand). Cytogenetic location: 17q25.3.
Variant type: single nucleotide variant.
Coding change: c.2387C>T on transcript NM_001127198.5 (MANE Select); coding-DNA position 2387, C replaced by T.
Protein change: p.Pro796Leu; replaces proline 796 with leucine.
Molecular consequence: missense variant.
Genome position (GRCh38, 1-based): chr17:78,113,179, G>A on the plus strand (C>T on the coding strand, the complement: TMC6 is on the minus strand). VCF-style: chr17-78113179-G-A. GRCh37 (hg19) VCF-style: chr17-76109260-G-A.
Other names: c.2387C>T, p.Pro796Leu (NM_001321185.1, NM_001374596.1, NM_001375353.1 and 2 more transcripts); c.2207C>T, p.Pro736Leu (NM_001374593.1, NM_001374594.1); short protein forms P736L, P796L.
Identifiers: ClinVar variation 1007503 (VCV001007503.6), dbSNP rs781023495, ClinGen allele CA8795282.

ClinVar aggregate classification (germline): Uncertain significance (1 of 4 stars; one submission).

Conditions:
Epidermodysplasia verruciformis. Identifiers: Orphanet 302, MedGen C0014522, MONDO:0009176.

Allele frequency attached by ClinVar (database versions not stated): TOPMed below 0.00001; gnomAD 0.00001; gnomAD exomes 0.00001 and 0.00003; ExAC 0.00005.
gnomAD v4.1: 42 of 1,558,336 alleles (0.0027%); highest among the groups gnomAD compares: Non-Finnish European, 0.0035%; no homozygotes.

Submission:

Labcorp Genetics (formerly Invitae), Labcorp
Classification: Uncertain significance for Epidermodysplasia verruciformis. Last evaluated: 2020-05-26. Review status: criteria provided, single submitter. Criteria: Invitae Variant Classification Sherloc (09022015). Collection method: clinical testing. Allele origin: germline.
Comment: This variant is present in population databases (rs781023495, ExAC 0.01%). In summary, the available evidence is currently insufficient to determine the role of this variant in disease. Therefore, it has been classified as a Variant of Uncertain Significance. Algorithms developed to predict the effect of missense changes on protein structure and function output the following: SIFT: "Not Available"; PolyPhen-2: "Benign"; Align-GVGD: "Not Available". The leucine amino acid residue is found in multiple mammalian species, suggesting that this missense change does not adversely affect protein function. These predictions have not been confirmed by published functional studies and their clinical significance is uncertain. This variant has not been reported in the literature in individuals with TMC6-related conditions. This sequence change replaces proline with leucine at codon 796 of the TMC6 protein (p.Pro796Leu). The proline residue is weakly conserved and there is a moderate physicochemical difference between proline and leucine.